The following is an entry in ClinVar:

NM_022168.4(IFIH1):c.1374G>A (p.Met458Ile)

Gene: IFIH1 (interferon induced with helicase C domain 1; minus strand). Cytogenetic location: 2q24.2.
Variant type: single nucleotide variant.
Coding change: c.1374G>A on transcript NM_022168.4 (MANE Select); coding-DNA position 1374, G replaced by A.
Protein change: p.Met458Ile; replaces methionine 458 with isoleucine.
Molecular consequence: missense variant.
Genome position (GRCh38, 1-based): chr2:162,281,478, C>T on the plus strand (G>A on the coding strand, the complement: IFIH1 is on the minus strand). VCF-style: chr2-162281478-C-T. GRCh37 (hg19) VCF-style: chr2-163137988-C-T.
Other names: short protein forms M458I.
Identifiers: ClinVar variation 3753634 (VCV003753634.2).

ClinVar aggregate classification (germline): Uncertain significance (1 of 4 stars; one submission).

Conditions:
Singleton-Merten syndrome 1 (SGMRT1). Also called: Syndrome of widened medullary cavities of the metacarpals and phalanges, aortic calcification and abnormal dentition; Widened medullary cavities of bone, aortic calcification, abnormal dentition, and muscular weakness. Identifiers: Orphanet 85191, MedGen C4225427, MONDO:0024535, OMIM 182250.
Aicardi-Goutieres syndrome 7 (AGS7). Identifiers: Orphanet 51, MedGen C3888244, MONDO:0014367, OMIM 615846.

Submission:

Labcorp Genetics (formerly Invitae), Labcorp
Classification: Uncertain significance for Aicardi-Goutieres syndrome 7; Singleton-Merten syndrome 1. Last evaluated: 2025-03-03. Review status: criteria provided, single submitter. Criteria: Invitae Variant Classification Sherloc (09022015). Collection method: clinical testing. Allele origin: germline.
Comment: This sequence change replaces methionine, which is neutral and non-polar, with isoleucine, which is neutral and non-polar, at codon 458 of the IFIH1 protein (p.Met458Ile). This variant is not present in population databases (gnomAD no frequency). This variant has not been reported in the literature in individuals affected with IFIH1-related conditions. Invitae Evidence Modeling of protein sequence and biophysical properties (such as structural, functional, and spatial information, amino acid conservation, physicochemical variation, residue mobility, and thermodynamic stability) has been performed for this missense variant. However, the output from this modeling did not meet the statistical confidence thresholds required to predict the impact of this variant on IFIH1 protein function. In summary, the available evidence is currently insufficient to determine the role of this variant in disease. Therefore, it has been classified as a Variant of Uncertain Significance.